The following is an entry in ClinVar:

NM_015028.4(TNIK):c.2215C>T (p.Gln739Ter)

Gene: TNIK (TRAF2 and NCK interacting kinase; minus strand). Cytogenetic location: 3q26.2.
Variant type: single nucleotide variant.
Coding change: c.2215C>T on transcript NM_015028.4 (MANE Select); coding-DNA position 2215, C replaced by T.
Protein change: p.Gln739Ter; replaces glutamine 739 with a stop codon.
Molecular consequence: nonsense.
Genome position (GRCh38, 1-based): chr3:171,110,783, G>A on the plus strand (C>T on the coding strand, the complement: TNIK is on the minus strand). VCF-style: chr3-171110783-G-A. GRCh37 (hg19) VCF-style: chr3-170828572-G-A.
Other names: c.2215C>T, p.Gln739Ter (NM_001161560.3); c.2128C>T, p.Gln710Ter (NM_001161561.3, NM_001161562.3); c.2050C>T, p.Gln684Ter (NM_001161563.3, NM_001161564.3); c.1963C>T, p.Gln655Ter (NM_001161565.3, NM_001161566.3); c.2215C>T (NM_015028.3); short protein forms Q655*, Q684*, Q710*, Q739*.
Identifiers: ClinVar variation 2445959 (VCV002445959.1), dbSNP rs2473635484, ClinGen allele CA355502224.

ClinVar aggregate classification (germline): Uncertain significance (1 of 4 stars; one submission).

Submission:

Women's Health and Genetics/Laboratory Corporation of America, LabCorp
Classification: Uncertain significance. Last evaluated: 2023-02-24. Review status: criteria provided, single submitter. Criteria: LabCorp Variant Classification Summary - May 2015. Collection method: clinical testing. Allele origin: germline.
Comment: Variant summary: TNIK c.2215C>T (p.Gln739X) results in a premature termination codon, predicted to cause a truncation of the encoded protein or absence of the protein due to nonsense mediated decay. Truncations downstream of this position have not been reported in our laboratory, ClinVar, or HGMD. The variant was absent in 231810 control chromosomes. The available data on variant occurrences in the general population are insufficient to allow any conclusion about variant significance. To our knowledge, no occurrence of c.2215C>T in individuals affected with Intellectual Disability, Autosomal Recessive 54 and no experimental evidence demonstrating its impact on protein function have been reported. No clinical diagnostic laboratories have submitted clinical-significance assessments for this variant to ClinVar after 2014. Based on the evidence outlined above, the variant was classified as uncertain significance.